The following is an entry in ClinVar:

ClinVar aggregate classification (germline): Uncertain significance (1 of 4 stars; one submission).

Submission:

Labcorp Genetics (formerly Invitae), Labcorp
Classification: Uncertain significance. Last evaluated: 2022-02-21. Review status: criteria provided, single submitter. Criteria: Invitae Variant Classification Sherloc (09022015). Collection method: clinical testing. Allele origin: germline.
Comment: In summary, the available evidence is currently insufficient to determine the role of this variant in disease. Therefore, it has been classified as a Variant of Uncertain Significance. Studies have shown that disruption of this splice site is associated with altered splicing resulting in unknown protein product impact (Invitae). This variant has not been reported in the literature in individuals affected with POLE-related conditions. This variant is not present in population databases (gnomAD no frequency). This sequence change affects a donor splice site in intron 42 of the POLE gene. Missense variants that disrupt the 3'-5' exonuclease (proof-reading) activity of the POLE protein are associated with an increased risk for colonic adenomatous polyps and colon cancer (PMID: 23263490, 23447401). However, loss-of-function variants that result in an absent or severely disrupted POLE protein, and missense variants outside the exonuclease domain, are unlikely to be associated with polyposis or colon cancer.

Literature cited by the submitters: PubMed 23263490; PubMed 23447401.

NM_006231.4(POLE):c.5811+2T>C

Gene: POLE (DNA polymerase epsilon, catalytic subunit; minus strand). Cytogenetic location: 12q24.33.
Variant type: single nucleotide variant.
Coding change: c.5811+2T>C on transcript NM_006231.4 (MANE Select); the canonical splice donor site of the intron after coding-DNA position 5811, T replaced by C.
Molecular consequence: splice donor variant.
Genome position (GRCh38, 1-based): chr12:132,635,890, A>G on the plus strand (T>C on the coding strand, the complement: POLE is on the minus strand). VCF-style: chr12-132635890-A-G. GRCh37 (hg19) VCF-style: chr12-133212476-A-G.
Identifiers: ClinVar variation 2100797 (VCV002100797.4), dbSNP rs2138484476, ClinGen allele CA387372649.